The following is an entry in ClinVar:

NM_014698.3(TMEM63A):c.3G>A (p.Met1Ile)

Gene: TMEM63A (transmembrane protein 63A; minus strand). Cytogenetic location: 1q42.12.
Variant type: single nucleotide variant.
Coding change: c.3G>A on transcript NM_014698.3 (MANE Select); coding-DNA position 3, G replaced by A.
Protein change: p.Met1Ile; changes the start codon (methionine 1).
Molecular consequence: missense variant, initiator codon variant.
Genome position (GRCh38, 1-based): chr1:225,877,578, C>T on the plus strand (G>A on the coding strand, the complement: TMEM63A is on the minus strand). VCF-style: chr1-225877578-C-T. GRCh37 (hg19) VCF-style: chr1-226065278-C-T.
Other names: short protein forms M1I.
Identifiers: ClinVar variation 4076260 (VCV004076260.1).

ClinVar aggregate classification (germline): Uncertain significance (1 of 4 stars; one submission).

Conditions:
Leukodystrophy, hypomyelinating, 19, transient infantile. Identifiers: MedGen C5231463, MONDO:0032871, OMIM 618688.

Submission:

Laboratorio de Genetica e Diagnostico Molecular, Hospital Israelita Albert Einstein
Classification: Uncertain significance for Leukodystrophy, hypomyelinating, 19, transient infantile. Last evaluated: 2025-03-26. Review status: criteria provided, single submitter. Criteria: ACMG Guidelines, 2015. Collection method: clinical testing. Allele origin: germline. Affected: yes.
Comment: ACMG classification criteria: PVS1 supporting, PM2 supporting